The following is an entry in ClinVar:

ClinVar aggregate classification (germline): Uncertain significance (1 of 4 stars; one submission).

gnomAD v4.1: 1 of 1,613,484 alleles (0.000062%); highest among the groups gnomAD compares: Non-Finnish European, 0.000085%; no homozygotes.

Submission:

Ambry Genetics
Classification: Uncertain significance. Last evaluated: 2025-11-05. Review status: criteria provided, single submitter. Criteria: Ambry Variant Classification Scheme 2023. Collection method: clinical testing. Allele origin: germline.
Comment: The c.1792A>G (p.M598V) alteration is located in exon 10 (coding exon 10) of the TTF2 gene. This alteration results from a A to G substitution at nucleotide position 1792, causing the methionine (M) at amino acid position 598 to be replaced by a valine (V). Based on data from gnomAD, the G allele has an overall frequency of <0.001% (1/250910) total alleles studied. The highest observed frequency was 0.001% (1/113582) of European (non-Finnish) alleles. Based on insufficient or conflicting evidence, the clinical significance of this alteration remains unclear.

NM_003594.4(TTF2):c.1792A>G (p.Met598Val)

Gene: TTF2 (transcription termination factor 2; plus strand). Cytogenetic location: 1p13.1.
Variant type: single nucleotide variant.
Coding change: c.1792A>G on transcript NM_003594.4 (MANE Select); coding-DNA position 1792, A replaced by G.
Protein change: p.Met598Val; replaces methionine 598 with valine.
Molecular consequence: missense variant.
Genome position (GRCh38, 1-based): chr1:117,081,836, A>G. VCF-style: chr1-117081836-A-G. GRCh37 (hg19) VCF-style: chr1-117624458-A-G.
Other names: short protein forms M598V.
Identifiers: ClinVar variation 4600435 (VCV004600435.1).